The following is an entry in ClinVar:

ClinVar aggregate classification (germline): Likely benign (1 of 4 stars; one submission).

Submission:

CeGaT Center for Human Genetics Tuebingen
Classification: Likely benign. Last evaluated: 2023-09-01. Review status: criteria provided, single submitter. Criteria: CeGaT Center For Human Genetics Tuebingen Variant Classification Criteria Version 2. Collection method: clinical testing. Allele origin: germline. Affected: yes. Observed: 1 variant allele.
Comment: ADD1: PM2:Supporting, BP4, BP7

NM_001354761.2(ADD1):c.36A>C (p.Ser12=)

Gene: ADD1 (adducin 1; plus strand). Cytogenetic location: 4p16.3.
Variant type: single nucleotide variant.
Coding change: c.36A>C on transcript NM_001354761.2 (MANE Select); coding-DNA position 36, A replaced by C.
Protein change: p.Ser12=; no amino-acid change (serine 12 retained).
Molecular consequence: synonymous variant.
Genome position (GRCh38, 1-based): chr4:2,875,951, A>C. VCF-style: chr4-2875951-A-C. GRCh37 (hg19) VCF-style: chr4-2877678-A-C.
Other names: c.36A>C, p.Ser12= (NM_001119.5, NM_001286645.2, NM_001354754.2 and 9 more transcripts).
Identifiers: ClinVar variation 2583020 (VCV002583020.25), dbSNP rs1433130616, ClinGen allele CA438103106.